The following is an entry in ClinVar:

ClinVar aggregate classification (germline): Conflicting classifications of pathogenicity. Review status: criteria provided, conflicting classifications (1 of 4 stars). 3 submissions from 3 submitters: Uncertain significance (2); Benign (1). Last evaluated 2026-05-12.

Conditions:
PIEZO1-related disorder. Also called: PIEZO1-Related Disorders; PIEZO1-related condition.

Allele frequency attached by ClinVar (database versions not stated): gnomAD 0.00001; ExAC 0.00006; TOPMed 0.00006.
gnomAD v4.1: 38 of 1,547,416 alleles (0.0025%); highest among the groups gnomAD compares: East Asian, 0.037%; 1 homozygote.

Submissions (3):

PreventionGenetics, part of Exact Sciences
Classification: Uncertain significance for PIEZO1-related condition. Last evaluated: 2026-05-12. Review status: criteria provided, single submitter. Criteria: ACMG Guidelines, 2015. Collection method: clinical testing. Allele origin: germline.
Comment: The PIEZO1 c.7150G>A variant is predicted to result in the amino acid substitution p.Gly2384Ser. This variant has been reported in individuals with stomatocytosis and has also been reported in a cohort study with isolated fetal edema (Li et al. 2019. PubMed ID: 31340627; Reported as c.100G>A p.Gly34Ser, Table S2, Rogerson et al. 2023. PubMed ID: 36959127; Wang et al. 2025. PubMed ID: 41407458). This variant is reported in 0.028% of alleles in individuals of East Asian descent in gnomAD. At this time, the clinical significance of this variant is uncertain due to the absence of conclusive functional and genetic evidence.

Labcorp Genetics (formerly Invitae), Labcorp
Classification: Benign. Last evaluated: 2024-02-22. Review status: criteria provided, single submitter. Criteria: Invitae Variant Classification Sherloc (09022015). Collection method: clinical testing. Allele origin: germline.

GeneDx
Classification: Uncertain significance. Last evaluated: 2023-12-26. Review status: criteria provided, single submitter. Criteria: GeneDx Variant Classification Process June 2021. Collection method: clinical testing. Allele origin: germline. Affected: yes.
Comment: Identified in an individual with hereditary stomatosis without additional information available for review [article in Chinese] (PMID: 31340627); In silico analysis supports that this missense variant does not alter protein structure/function; This variant is associated with the following publications: (PMID: 34426522, 31340627)

NM_001142864.4(PIEZO1):c.7150G>A (p.Gly2384Ser)

Gene: PIEZO1 (piezo type mechanosensitive ion channel component 1 (Er blood group); minus strand). Cytogenetic location: 16q24.3.
Variant type: single nucleotide variant.
Coding change: c.7150G>A on transcript NM_001142864.4 (MANE Select); coding-DNA position 7150, G replaced by A.
Protein change: p.Gly2384Ser; replaces glycine 2384 with serine.
Molecular consequence: missense variant.
Genome position (GRCh38, 1-based): chr16:88,716,099, C>T on the plus strand (G>A on the coding strand, the complement: PIEZO1 is on the minus strand). VCF-style: chr16-88716099-C-T. GRCh37 (hg19) VCF-style: chr16-88782507-C-T.
Other names: c.7150G>A (NM_001142864.3, NM_001142864.2); c.5692G>A, p.Gly1898Ser (NM_014745.1); short protein forms G1898S, G2384S.
Identifiers: ClinVar variation 2886145 (VCV002886145.6), dbSNP rs779772252, ClinGen allele CA8231393.
Genomic context (GRCh38, chr16:88,716,099, plus strand): 5'-ACCATTCGAGGAAGCCGGTGGCCCCCGCACCCTGCTCCCTCCGCAGCTGGATACGCACGC[C>T]GAGGTAGTCGGCCTCCTCATCTGGGATGGAGGGAGAAGATCGTTGAGGCCGCAGGTCACC-3'
Protein context (NP_001136336.2, residues 2374-2394): LQPNEEADYL[Gly2384Ser]VRIQLRREQG